The following is an entry in ClinVar:

ClinVar aggregate classification (germline): Conflicting classifications of pathogenicity. Review status: criteria provided, conflicting classifications (1 of 4 stars). 13 submissions from 13 submitters: Uncertain significance (1); Benign (3); Likely benign (7). 2 of the submissions do not count toward it. Last evaluated 2026-09-01.

Conditions:
Inborn genetic diseases. Identifiers: MedGen C0950123, MeSH D030342.
Charcot-Marie-Tooth disease. Also called: Charcot-Marie-Tooth Hereditary Neuropathy; Charcot-Marie-Tooth Neuropathy. Identifiers: Orphanet 166, MedGen C0007959, MONDO:0015626.
Charcot-Marie-Tooth disease type 2. Also called: Charcot-Marie-Tooth type 2. Identifiers: Orphanet 64746, MedGen C0270914, MONDO:0018993.

Allele frequency attached by ClinVar (database versions not stated): TOPMed 0.00074; gnomAD exomes 0.00078 and 0.00127; ExAC 0.00085; gnomAD 0.00087 and 0.00089; ESP Exome Variant Server 0.00115.
gnomAD v4.1: 1,949 of 1,614,076 alleles (0.12%); highest among the groups gnomAD compares: Non-Finnish European, 0.16%; 1 homozygote.

Submissions (13):

CeGaT Center for Human Genetics Tuebingen
Classification: Likely benign. Last evaluated: 2026-09-01. Review status: criteria provided, single submitter. Criteria: CeGaT Center For Human Genetics Tuebingen Variant Classification Criteria Version 2. Collection method: clinical testing. Allele origin: germline. Affected: yes. Observed: 16 variant alleles.
Comment: MFN2: BP4, BP7

Labcorp Genetics (formerly Invitae), Labcorp
Classification: Benign for Charcot-Marie-Tooth disease type 2. Last evaluated: 2026-01-06. Review status: criteria provided, single submitter. Criteria: Invitae Variant Classification Sherloc (09022015). Collection method: clinical testing. Allele origin: germline.

Mayo Clinic Laboratories, Mayo Clinic
Classification: Likely benign. Last evaluated: 2025-09-30. Review status: criteria provided, single submitter. Criteria: ACMG Guidelines, 2015. Collection method: clinical testing. Allele origin: germline. Observed: 8 variant alleles.
Comment: BP4, BP7

Athena Diagnostics
Classification: Benign. Last evaluated: 2025-05-14. Review status: criteria provided, single submitter. Criteria: Athena Diagnostics Criteria. Collection method: clinical testing. Allele origin: unknown.
Comment: The frequency of this variant in the general population is higher than would generally be expected for pathogenic variants in this gene. Computational tools yielded predictions that this variant is unlikely to have an effect on normal RNA splicing. This nucleotide position exhibits low evolutionary conservation. This variant has been seen where an alternate explanation for disease was also identified.

Women's Health and Genetics/Laboratory Corporation of America, LabCorp
Classification: Likely benign. Last evaluated: 2025-02-24. Review status: criteria provided, single submitter. Criteria: LabCorp Variant Classification Summary - May 2015. Collection method: clinical testing. Allele origin: germline.

Blueprint Genetics
Classification: Likely benign. Last evaluated: 2024-11-15. Review status: criteria provided, single submitter. Criteria: ACMG Guidelines, 2015. Collection method: clinical testing. Allele origin: germline.

ARUP Laboratories, Molecular Genetics and Genomics, ARUP Laboratories
Classification: Likely benign. Last evaluated: 2023-10-02. Review status: criteria provided, single submitter. Criteria: ARUP Molecular Germline Variant Investigation Process 2024. Collection method: clinical testing. Allele origin: germline.

Ambry Genetics
Classification: Likely benign for Inborn genetic diseases. Last evaluated: 2019-07-11. Review status: criteria provided, single submitter. Criteria: Ambry Variant Classification Scheme 2023. Collection method: clinical testing. Allele origin: germline.

Eurofins Ntd Llc (ga)
Classification: Uncertain significance. Last evaluated: 2015-09-23. Review status: criteria provided, single submitter. Criteria: EGL Classification Definitions 2015. Collection method: clinical testing. Allele origin: germline. Observed: 1 variant allele, 1 homozygote.

GeneDx
Classification: Benign. Last evaluated: 2014-04-16. Review status: criteria provided, single submitter. Criteria: GeneDx Variant Classification (06012015). Collection method: clinical testing. Allele origin: germline. Affected: yes.
Comment: This variant is considered likely benign or benign based on one or more of the following criteria: it is a conservative change, it occurs at a poorly conserved position in the protein, it is predicted to be benign by multiple in silico algorithms, and/or has population frequency not consistent with disease.

Molecular Genetics Laboratory, London Health Sciences Centre
Classification: Likely benign for Charcot-Marie-Tooth disease. Review status: criteria provided, single submitter. Criteria: ACMG Guidelines, 2015. Collection method: clinical testing. Allele origin: germline. Affected: yes.

Clinical Genetics DNA and cytogenetics Diagnostics Lab, Erasmus MC, Erasmus Medical Center
Classification: Likely benign. Review status: no assertion criteria provided. Collection method: clinical testing. Allele origin: germline. Affected: yes. Study: VKGL Data-share Consensus. Not counted in ClinVar's aggregate classification.

Clinical Genetics, Academic Medical Center
Classification: Benign. Review status: no assertion criteria provided. Collection method: clinical testing. Allele origin: germline. Affected: yes. Study: VKGL Data-share Consensus. Not counted in ClinVar's aggregate classification.

Literature cited by the submitters: PubMed 24126688 (cited by Athena Diagnostics).

NM_014874.4(MFN2):c.1641C>T (p.Leu547=)

Genes: MFN2 (mitofusin 2; plus strand), LOC129929426 (ATAC-STARR-seq lymphoblastoid active region 185; plus strand). Cytogenetic location: 1p36.22.
Variant type: single nucleotide variant.
Coding change: c.1641C>T on transcript NM_014874.4 (MANE Select); coding-DNA position 1641, C replaced by T.
Protein change: p.Leu547=; no amino-acid change (leucine 547 retained).
Molecular consequence: synonymous variant.
Genome position (GRCh38, 1-based): chr1:12,005,856, C>T. VCF-style: chr1-12005856-C-T. GRCh37 (hg19) VCF-style: chr1-12065913-C-T.
Other names: p.L547L:CTC>CTT; p.Leu547=; c.1641C>T, p.Leu547= (NM_001127660.2).
Identifiers: ClinVar variation 138216 (VCV000138216.64), dbSNP rs140924661, ClinGen allele CA292075.